The following is an entry in ClinVar:

ClinVar aggregate classification (germline): Likely pathogenic (1 of 4 stars; one submission).

Conditions:
Nemaline myopathy 2 (NEM2). Also called: Nemaline myopathy 2, autosomal recessive. Identifiers: MedGen C1850569, MONDO:0009725, OMIM 256030.

Submission:

Myriad Genetics, Inc.
Classification: Likely pathogenic for Nemaline myopathy 2. Last evaluated: 2022-03-09. Review status: criteria provided, single submitter. Criteria: Myriad Women's Health Autosomal Recessive and X-Linked Classification Criteria (2021). Collection method: clinical testing. Allele origin: unknown.
Comment: NM_001271208.1(NEB):c.10255_10256ins8(Y3419Cfs*11) is expected to be pathogenic in the context of NEB-related nemaline myopathy. This variant is predicted to lead to an abnormal or absent protein product due to the creation of a premature termination codon in NEB, a gene where loss-of-function variants are known to be pathogenic. Please note: this variant was assessed in the context of healthy population screening.

NM_001164508.2(NEB):c.10255_10256insGTCTCTTA (p.Tyr3419fs)

Gene: NEB (nebulin; minus strand). Cytogenetic location: 2q23.3.
Variant type: Insertion.
Coding change: c.10255_10256insGTCTCTTA on transcript NM_001164508.2 (MANE Select); coding-DNA positions 10255 to 10256, GTCTCTTA inserted.
Protein change: p.Tyr3419fs; shifts the reading frame from tyrosine 3419.
Molecular consequence: frameshift variant.
Genome position: GRCh38 VCF-style: chr2-151627093-T-TTAAGAGAC. GRCh37 (hg19) VCF-style: chr2-152483607-T-TTAAGAGAC.
Other names: c.10255_10256insGTCTCTTA, p.Tyr3419fs (NM_001164507.2, NM_001271208.2); c.9526_9527insGTCTCTTA, p.Tyr3176fs (NM_004543.5); short protein forms Y3176fs, Y3419fs.
Identifiers: ClinVar variation 1725147 (VCV001725147.2), dbSNP rs2552236273, ClinGen allele CA2580064009.